The following is an entry in ClinVar:

NM_006440.5(TXNRD2):c.655G>C (p.Gly219Arg)

Gene: TXNRD2 (thioredoxin reductase 2; minus strand). Cytogenetic location: 22q11.21.
Variant type: single nucleotide variant.
Coding change: c.655G>C on transcript NM_006440.5 (MANE Select); coding-DNA position 655, G replaced by C.
Protein change: p.Gly219Arg; replaces glycine 219 with arginine.
Molecular consequence: missense variant. On other transcripts: non-coding transcript variant (1).
Genome position (GRCh38, 1-based): chr22:19,911,384, C>G on the plus strand (G>C on the coding strand, the complement: TXNRD2 is on the minus strand). VCF-style: chr22-19911384-C-G. GRCh37 (hg19) VCF-style: chr22-19898907-C-G.
Other names: c.655G>C, p.Gly219Arg (NM_001282512.3); c.652G>C, p.Gly218Arg (NM_001352300.2); c.565G>C, p.Gly189Arg (NM_001352301.2); c.367G>C, p.Gly123Arg (NM_001352302.2); c.559G>C, p.Gly187Arg (NM_001352303.2); short protein forms G123R, G187R, G189R, G218R, G219R.
Identifiers: ClinVar variation 1018441 (VCV001018441.9), dbSNP rs1940404247, ClinGen allele CA410691100.
Genomic context (GRCh38, chr22:19,911,384, plus strand): 5'-TGCTCACTCTGGTGAACAAAAAGAGGACCCCACCAAGCACGCGCAGGCCTTACGTTTTTC[C>G]AGGGGATTCCTTCAGCCAGAAGATGTCATCACTTGTGATTCCATATTCCAAGGCACCTTC-3'
Protein context (NP_006431.2, residues 209-229): DDIFWLKESP[Gly219Arg]KTLVVGASYV

ClinVar aggregate classification (germline): Uncertain significance (1 of 4 stars; one submission).

Conditions:
Primary dilated cardiomyopathy (DCM). Also called: Dilated Cardiomyopathy. Identifiers: Orphanet 217604, MedGen C0007193, MeSH D002311, MONDO:0005021, HP:0001644. Inheritance: Various modes of inheritance.

Submission:

Labcorp Genetics (formerly Invitae), Labcorp
Classification: Uncertain significance for Primary dilated cardiomyopathy. Last evaluated: 2023-12-11. Review status: criteria provided, single submitter. Criteria: Invitae Variant Classification Sherloc (09022015). Collection method: clinical testing. Allele origin: germline.
Comment: This sequence change replaces glycine, which is neutral and non-polar, with arginine, which is basic and polar, at codon 219 of the TXNRD2 protein (p.Gly219Arg). This variant is not present in population databases (gnomAD no frequency). This variant has not been reported in the literature in individuals affected with TXNRD2-related conditions. ClinVar contains an entry for this variant (Variation ID: 1018441). Advanced modeling of protein sequence and biophysical properties (such as structural, functional, and spatial information, amino acid conservation, physicochemical variation, residue mobility, and thermodynamic stability) performed at Invitae indicates that this missense variant is not expected to disrupt TXNRD2 protein function with a negative predictive value of 80%. In summary, the available evidence is currently insufficient to determine the role of this variant in disease. Therefore, it has been classified as a Variant of Uncertain Significance.